The following is an entry in ClinVar:

ClinVar aggregate classification (germline): Likely benign (1 of 4 stars; one submission).

Allele frequency attached by ClinVar (database versions not stated): 1000 Genomes Project 0.00100; 1000 Genomes Project 30x 0.00125; TOPMed 0.00222; gnomAD 0.00224; ESP Exome Variant Server 0.00277; ExAC 0.00280; gnomAD exomes 0.00322.

Submission:

CeGaT Center for Human Genetics Tuebingen
Classification: Likely benign. Last evaluated: 2022-12-01. Review status: criteria provided, single submitter. Criteria: CeGaT Center For Human Genetics Tuebingen Variant Classification Criteria Version 2. Collection method: clinical testing. Allele origin: germline. Affected: yes. Observed: 1 variant allele.
Comment: ATMIN: BS2

NM_015251.3(ATMIN):c.2162G>T (p.Gly721Val)

Gene: ATMIN (ATM interactor; plus strand). Cytogenetic location: 16q23.2.
Variant type: single nucleotide variant.
Coding change: c.2162G>T on transcript NM_015251.3 (MANE Select); coding-DNA position 2162, G replaced by T.
Protein change: p.Gly721Val; replaces glycine 721 with valine.
Molecular consequence: missense variant.
Genome position (GRCh38, 1-based): chr16:81,044,660, G>T. VCF-style: chr16-81044660-G-T. GRCh37 (hg19) VCF-style: chr16-81078265-G-T.
Other names: c.1694G>T, p.Gly565Val (NM_001300728.2); short protein forms G565V, G721V.
Identifiers: ClinVar variation 2646893 (VCV002646893.24), dbSNP rs142359892, ClinGen allele CA8186166.
Genomic context (GRCh38, chr16:81,044,660, plus strand): 5'-ACACACAGACACAGACAGACTTAAACTTTTTCTTAGACAGTAGCCCTCATCTGCCTCTGG[G>T]AAGTATTCTGAAACACTCCAGCTTTTCCGTGAGTACTGATTCATCTGACACAGAGACCCA-3'
Protein context (NP_056066.2, residues 711-731): FLDSSPHLPL[Gly721Val]SILKHSSFSV